The following is an entry in ClinVar:

NM_001701.4(BAAT):c.55A>T (p.Ile19Phe)

Gene: BAAT (bile acid-CoA:amino acid N-acyltransferase; minus strand). Cytogenetic location: 9q31.1.
Variant type: single nucleotide variant.
Coding change: c.55A>T on transcript NM_001701.4 (MANE Select); coding-DNA position 55, A replaced by T.
Protein change: p.Ile19Phe; replaces isoleucine 19 with phenylalanine.
Molecular consequence: missense variant.
Genome position (GRCh38, 1-based): chr9:101,371,350, T>A on the plus strand (A>T on the coding strand, the complement: BAAT is on the minus strand). VCF-style: chr9-101371350-T-A. GRCh37 (hg19) VCF-style: chr9-104133632-T-A.
Other names: c.55A>T, p.Ile19Phe (NM_001127610.2, NM_001374715.1); short protein forms I19F.
Identifiers: ClinVar variation 4994016 (VCV004994016.1).

ClinVar aggregate classification (germline): Uncertain significance (1 of 4 stars; one submission).

Conditions:
BAAT-related disorder. Also called: BAAT-related condition.

Submission:

PreventionGenetics, part of Exact Sciences
Classification: Uncertain significance for BAAT-related condition. Last evaluated: 2026-07-06. Review status: criteria provided, single submitter. Criteria: ACMG Guidelines, 2015. Collection method: clinical testing. Allele origin: germline.
Comment: The BAAT c.55A>T variant is predicted to result in the amino acid substitution p.Ile19Phe. To our knowledge, this variant has not been reported in the literature or in a large population database (gnomAD), indicating this variant is rare. At this time, the clinical significance of this variant is uncertain due to the absence of conclusive functional and genetic evidence.